The following is an entry in ClinVar:

ClinVar aggregate classification (germline): Uncertain significance. Review status: criteria provided, multiple submitters, no conflicts (2 of 4 stars). 2 submissions from 2 submitters: Uncertain significance (2). Last evaluated 2026-01-08.

Conditions:
POLD1-related polyposis and colorectal cancer syndrome (CRCS10). Also called: Colorectal cancer 10; COLORECTAL CANCER, SUSCEPTIBILITY TO, ON CHROMOSOME 19q; Colorectal cancer, susceptibility to, 10. Identifiers: Orphanet 220460, MedGen C2675481, MONDO:0012953, OMIM 612591.
Hereditary cancer-predisposing syndrome. Also called: Tumor predisposition; Hereditary Cancer Syndrome; Hereditary neoplastic syndrome; Neoplastic Syndromes, Hereditary. Identifiers: Orphanet 140162, MedGen C0027672, MeSH D009386, MONDO:0015356.

gnomAD v4.1: 1 of 1,554,082 alleles (0.000064%); highest among the groups gnomAD compares: Non-Finnish European, 0.000087%; no homozygotes.

Submissions (2):

Labcorp Genetics (formerly Invitae), Labcorp
Classification: Uncertain significance for POLD1-related polyposis and colorectal cancer syndrome. Last evaluated: 2026-01-08. Review status: criteria provided, single submitter. Criteria: Invitae Variant Classification Sherloc (09022015). Collection method: clinical testing. Allele origin: germline.
Comment: This sequence change replaces arginine, which is basic and polar, with proline, which is neutral and non-polar, at codon 1032 of the POLD1 protein (p.Arg1032Pro). This variant is not present in population databases (gnomAD no frequency). This variant has not been reported in the literature in individuals affected with POLD1-related conditions. ClinVar contains an entry for this variant (Variation ID: 970925). Invitae Evidence Modeling of protein sequence and biophysical properties (such as structural, functional, and spatial information, amino acid conservation, physicochemical variation, residue mobility, and thermodynamic stability) indicates that this missense variant is not expected to disrupt POLD1 protein function with a negative predictive value of 80%. In summary, the available evidence is currently insufficient to determine the role of this variant in disease. Therefore, it has been classified as a Variant of Uncertain Significance.

Ambry Genetics
Classification: Uncertain significance for Hereditary cancer-predisposing syndrome. Last evaluated: 2023-10-23. Review status: criteria provided, single submitter. Criteria: Ambry Variant Classification Scheme 2023. Collection method: clinical testing. Allele origin: germline.
Comment: The p.R1032P variant (also known as c.3095G>C), located in coding exon 24 of the POLD1 gene, results from a G to C substitution at nucleotide position 3095. The arginine at codon 1032 is replaced by proline, an amino acid with dissimilar properties. This amino acid position is conserved. In addition, this alteration is predicted to be tolerated by in silico analysis. Since supporting evidence is limited at this time, the clinical significance of this alteration remains unclear.

NM_002691.4(POLD1):c.3095G>C (p.Arg1032Pro)

Gene: POLD1 (DNA polymerase delta 1, catalytic subunit; plus strand). Cytogenetic location: 19q13.33.
Variant type: single nucleotide variant.
Coding change: c.3095G>C on transcript NM_002691.4 (MANE Select); coding-DNA position 3095, G replaced by C.
Protein change: p.Arg1032Pro; replaces arginine 1032 with proline.
Molecular consequence: missense variant. On other transcripts: non-coding transcript variant (1).
Genome position (GRCh38, 1-based): chr19:50,417,072, G>C. VCF-style: chr19-50417072-G-C. GRCh37 (hg19) VCF-style: chr19-50920329-G-C.
Other names: c.3095G>C, p.Arg1032Pro (NM_001256849.1); c.3173G>C, p.Arg1058Pro (NM_001308632.1); c.3095G>C (NM_002691.2); short protein forms R1032P, R1058P.
Identifiers: ClinVar variation 970925 (VCV000970925.7), dbSNP rs763951036, ClinGen allele CA406987115.